The following is an entry in ClinVar:

NM_003458.4(BSN):c.7767T>C (p.Asp2589=)

Gene: BSN (bassoon presynaptic cytomatrix protein; plus strand). Cytogenetic location: 3p21.31.
Variant type: single nucleotide variant.
Coding change: c.7767T>C on transcript NM_003458.4 (MANE Select); coding-DNA position 7767, T replaced by C.
Protein change: p.Asp2589=; no amino-acid change (aspartic acid 2589 retained).
Molecular consequence: synonymous variant.
Genome position (GRCh38, 1-based): chr3:49,657,323, T>C. VCF-style: chr3-49657323-T-C. GRCh37 (hg19) VCF-style: chr3-49694756-T-C.
Identifiers: ClinVar variation 3057001 (VCV003057001.2), dbSNP rs763944005, ClinGen allele CA2400731.
Genomic context (GRCh38, chr3:49,657,323, plus strand): 5'-GTCTGGGACTGAGCCCTGTGTGGTCAGGAGGATTGCCGACAGCAGCGTGCAGACAGACGA[T>C]GAGGATGGGGAGAGCCGCTACCTCTTGAGTCGGCGACGCCGGGCACGGCGGAGTGCTGAC-3'
Protein context (NP_003449.2, residues 2579-2599): RIADSSVQTD[Asp2589=]EDGESRYLLS

ClinVar aggregate classification (germline): Likely benign (0 of 4 stars; one submission).

Conditions:
BSN-related disorder. Also called: BSN-related condition.

Allele frequency attached by ClinVar (database versions not stated): gnomAD exomes below 0.00001; TOPMed 0.00001; ExAC 0.00002.
gnomAD v4.1: 5 of 1,613,296 alleles (0.00031%); highest among the groups gnomAD compares: East Asian, 0.0045%; no homozygotes.

Submission:

PreventionGenetics, part of Exact Sciences
Classification: Likely benign for BSN-related condition. Last evaluated: 2019-08-07. Review status: no assertion criteria provided. Collection method: clinical testing. Allele origin: germline.
Comment: This variant is classified as likely benign based on ACMG/AMP sequence variant interpretation guidelines (Richards et al. 2015 PMID: 25741868, with internal and published modifications).